The following is an entry in ClinVar:

ClinVar aggregate classification (germline): Conflicting classifications of pathogenicity. Review status: criteria provided, conflicting classifications (1 of 4 stars). 3 submissions from 3 submitters: Likely pathogenic (1); Uncertain significance (2). Last evaluated 2025-10-23.

Conditions:
DPAGT1-congenital disorder of glycosylation. Also called: CDG Ij; CONGENITAL DISORDER OF GLYCOSYLATION, TYPE Ij; DPAGT1-CDG. Identifiers: Orphanet 86309, MedGen C2931004, MONDO:0011964, OMIM 608093.
Congenital myasthenic syndrome 13 (CMS13). Also called: Myasthenic syndrome, congenital, 13, with tubular aggregates; Myasthenic syndrome, congenital, with tubular aggregates 2. Identifiers: Orphanet 353327, Orphanet 590, MedGen C3553645, MONDO:0013883, OMIM 614750.

gnomAD v4.1: 1 of 1,614,230 alleles (0.000062%); highest among the groups gnomAD compares: Non-Finnish European, 0.000085%; no homozygotes.

Submissions (3):

Labcorp Genetics (formerly Invitae), Labcorp
Classification: Uncertain significance for Congenital myasthenic syndrome 13; DPAGT1-congenital disorder of glycosylation. Last evaluated: 2025-10-23. Review status: criteria provided, single submitter. Criteria: Invitae Variant Classification Sherloc (09022015). Collection method: clinical testing. Allele origin: germline.
Comment: This sequence change replaces histidine, which is basic and polar, with aspartic acid, which is acidic and polar, at codon 346 of the DPAGT1 protein (p.His346Asp). This variant is not present in population databases (gnomAD no frequency). This variant has not been reported in the literature in individuals affected with DPAGT1-related conditions. ClinVar contains an entry for this variant (Variation ID: 802806). Invitae Evidence Modeling of protein sequence and biophysical properties (such as structural, functional, and spatial information, amino acid conservation, physicochemical variation, residue mobility, and thermodynamic stability) indicates that this missense variant is not expected to disrupt DPAGT1 protein function with a negative predictive value of 80%. In summary, the available evidence is currently insufficient to determine the role of this variant in disease. Therefore, it has been classified as a Variant of Uncertain Significance.

Mayo Clinic Laboratories, Mayo Clinic
Classification: Uncertain significance. Last evaluated: 2025-05-12. Review status: criteria provided, single submitter. Criteria: ACMG Guidelines, 2015. Collection method: clinical testing. Allele origin: germline. Observed: 1 variant allele.
Comment: PM2_supporting

Mendelics
Classification: Likely pathogenic for DPAGT1-congenital disorder of glycosylation. Last evaluated: 2019-05-28. Review status: criteria provided, single submitter. Criteria: Mendelics Assertion Criteria 2017. Collection method: clinical testing. Allele origin: unknown.

NM_001382.4(DPAGT1):c.1036C>G (p.His346Asp)

Gene: DPAGT1 (dolichyl-phosphate N-acetylglucosaminephosphotransferase 1; minus strand). Cytogenetic location: 11q23.3.
Variant type: single nucleotide variant.
Coding change: c.1036C>G on transcript NM_001382.4 (MANE Select); coding-DNA position 1036, C replaced by G.
Protein change: p.His346Asp; replaces histidine 346 with aspartic acid.
Molecular consequence: missense variant.
Genome position (GRCh38, 1-based): chr11:119,097,267, G>C on the plus strand (C>G on the coding strand, the complement: DPAGT1 is on the minus strand). VCF-style: chr11-119097267-G-C. GRCh37 (hg19) VCF-style: chr11-118967977-G-C.
Other names: p.His346Asp; short protein forms H346D.
Identifiers: ClinVar variation 802806 (VCV000802806.3), dbSNP rs1592225374, ClinGen allele CA382908883.
Genomic context (GRCh38, chr11:119,097,267, plus strand): 5'-AGTTGATGAGGGTCATGTTGTTACATTCAGTGAATTCACCATCTTCAGTCTCACTCTGGT[G>C]TACTGTCACCAGCTGGAGGCTCTCTGCCACCTGGAGGGACCAGAGGTGAAGAGAACCTCA-3'
Protein context (NP_001373.2, residues 336-356): VAESLQLVTV[His346Asp]QSETEDGEFT